The following is an entry in ClinVar:

ClinVar aggregate classification (germline): Conflicting classifications of pathogenicity. Review status: criteria provided, conflicting classifications (1 of 4 stars). 5 submissions from 5 submitters: Uncertain significance (3); Benign (1); Likely benign (1). Last evaluated 2025-06-12.

Conditions:
Bloom syndrome (BLM). Also called: Bloom-Torre-Machacek syndrome. Identifiers: Orphanet 125, MedGen C0005859, MONDO:0008876, OMIM 210900.
Hereditary cancer. Identifiers: MedGen C1333600.
Hereditary cancer-predisposing syndrome. Also called: Neoplastic Syndromes, Hereditary; Hereditary Cancer Syndrome; Hereditary neoplastic syndrome; Tumor predisposition. Identifiers: Orphanet 140162, MedGen C0027672, MeSH D009386, MONDO:0015356.

Allele frequency attached by ClinVar (database versions not stated): gnomAD exomes 0.00002 and below 0.00001; ExAC 0.00002.
gnomAD v4.1: 12 of 1,614,098 alleles (0.00074%); highest among the groups gnomAD compares: Middle Eastern, 0.083%; no homozygotes.

Submissions (5):

Labcorp Genetics (formerly Invitae), Labcorp
Classification: Benign for Bloom syndrome. Last evaluated: 2025-06-12. Review status: criteria provided, single submitter. Criteria: Invitae Variant Classification Sherloc (09022015). Collection method: clinical testing. Allele origin: germline.

Dasa
Classification: Uncertain significance. Last evaluated: 2025-04-26. Review status: criteria provided, single submitter. Criteria: DASA Assertion Criteria. Collection method: clinical testing. Allele origin: germline.
Comment: NM_000057.4(BLM):c.1216A>G (p.Ile406Val) is a missense variant that results in the substitution of isoleucine with valine. This variant is rare in population databases. Computational prediction algorithms are consistent with a deleterious effect. The currently available literature and clinical evidence are not sufficient to establish a definitive association between this variant and the reported condition. Therefore, this variant is classified as a variant of uncertain significance.

Mendelics
Classification: Likely benign for Hereditary cancer. Last evaluated: 2024-01-23. Review status: criteria provided, single submitter. Criteria: ACMG Guidelines, 2015. Collection method: clinical testing. Allele origin: unknown.

Fulgent Genetics
Classification: Uncertain significance for Bloom syndrome. Last evaluated: 2023-12-30. Review status: criteria provided, single submitter. Criteria: ACMG Guidelines, 2015. Collection method: clinical testing. Allele origin: germline.

Ambry Genetics
Classification: Uncertain significance for Hereditary cancer-predisposing syndrome. Last evaluated: 2022-10-13. Review status: criteria provided, single submitter. Criteria: Ambry Variant Classification Scheme 2023. Collection method: clinical testing. Allele origin: germline.
Comment: The p.I406V variant (also known as c.1216A>G), located in coding exon 5 of the BLM gene, results from an A to G substitution at nucleotide position 1216. The isoleucine at codon 406 is replaced by valine, an amino acid with highly similar properties. This amino acid position is conserved. In addition, this alteration is predicted to be tolerated by in silico analysis. Since supporting evidence is limited at this time, the clinical significance of this alteration remains unclear.

NM_000057.4(BLM):c.1216A>G (p.Ile406Val)

Gene: BLM (BLM RecQ like helicase; plus strand). Cytogenetic location: 15q26.1.
Variant type: single nucleotide variant.
Coding change: c.1216A>G on transcript NM_000057.4 (MANE Select); coding-DNA position 1216, A replaced by G.
Protein change: p.Ile406Val; replaces isoleucine 406 with valine.
Molecular consequence: missense variant.
Genome position (GRCh38, 1-based): chr15:90,760,275, A>G. VCF-style: chr15-90760275-A-G. GRCh37 (hg19) VCF-style: chr15-91303505-A-G.
Other names: c.1216A>G, p.Ile406Val (NM_001287246.2, NM_001287247.2); c.91A>G, p.Ile31Val (NM_001287248.2); short protein forms I406V, I31V.
Identifiers: ClinVar variation 584885 (VCV000584885.19), dbSNP rs769498398, ClinGen allele CA7738487.
Genomic context (GRCh38, chr15:90,760,275, plus strand): 5'-ATTCCTGATGATAAACTGAAACTTTTGGATTGTGGGAACGAACTGCTTCAGCAGCGGAAC[A>G]TAAGGTATCTTAATTTTCCCCCTTCTGGAATATATCTGATTATATTTCTACCACTCTAAG-3'
Protein context (NP_000048.1, residues 396-416): CGNELLQQRN[Ile406Val]RRKLLTEVDF